The following is an entry in ClinVar:

ClinVar aggregate classification (germline): Uncertain significance (1 of 4 stars; one submission).

Submission:

GeneDx
Classification: Uncertain significance. Last evaluated: 2024-08-06. Review status: criteria provided, single submitter. Criteria: GeneDx Variant Classification Process June 2021. Collection method: clinical testing. Allele origin: germline. Affected: yes.
Comment: Not observed at significant frequency in large population cohorts (gnomAD); In silico analysis indicates that this missense variant does not alter protein structure/function; Has not been previously published as pathogenic or benign to our knowledge

NM_001257180.2(SLC20A2):c.1677G>A (p.Met559Ile)

Gene: SLC20A2 (solute carrier family 20 member 2; minus strand). Cytogenetic location: 8p11.21.
Variant type: single nucleotide variant.
Coding change: c.1677G>A on transcript NM_001257180.2 (MANE Select); coding-DNA position 1677, G replaced by A.
Protein change: p.Met559Ile; replaces methionine 559 with isoleucine.
Molecular consequence: missense variant.
Genome position (GRCh38, 1-based): chr8:42,430,096, C>T on the plus strand (G>A on the coding strand, the complement: SLC20A2 is on the minus strand). VCF-style: chr8-42430096-C-T. GRCh37 (hg19) VCF-style: chr8-42287614-C-T.
Other names: c.1677G>A, p.Met559Ile (NM_001257181.2, NM_006749.5); short protein forms M559I.
Identifiers: ClinVar variation 3603039 (VCV003603039.1).
Genomic context (GRCh38, chr8:42,430,096, plus strand): 5'-CCCTGCTCGTCCACCAGCCCAGGCTTACCTGGACGGCGTGATGGGAGTGAGGTCCTTCCC[C>T]ATGGTCTGGATCACTCTTCTCCCCCAGACCCAGAGGCCTGTGCAGATTCCAACTCCTCCA-3'
Protein context (NP_001244109.1, residues 549-569): WVWGRRVIQT[Met559Ile]GKDLTPITPS